The following is an entry in ClinVar:

ClinVar aggregate classification (germline): Uncertain significance. Review status: criteria provided, multiple submitters, no conflicts (2 of 4 stars). 2 submissions from 2 submitters: Uncertain significance (2). Last evaluated 2024-03-10.

Allele frequency attached by ClinVar (database versions not stated): TOPMed 0.00002; gnomAD exomes 0.00003 and 0.00008; ExAC 0.00005; gnomAD 0.00005 and 0.00007; 1000 Genomes Project 0.00080; 1000 Genomes Project 30x 0.00109.
gnomAD v4.1: 52 of 1,614,240 alleles (0.0032%); highest among the groups gnomAD compares: Admixed American, 0.033%; no homozygotes.

Submissions (2):

GeneDx
Classification: Uncertain significance. Last evaluated: 2024-03-10. Review status: criteria provided, single submitter. Criteria: GeneDx Variant Classification Process June 2021. Collection method: clinical testing. Allele origin: germline. Affected: yes.
Comment: In silico analysis supports that this missense variant has a deleterious effect on protein structure/function; Has not been previously published as pathogenic or benign to our knowledge

Labcorp Genetics (formerly Invitae), Labcorp
Classification: Uncertain significance. Last evaluated: 2021-08-27. Review status: criteria provided, single submitter. Criteria: Invitae Variant Classification Sherloc (09022015). Collection method: clinical testing. Allele origin: germline.
Comment: This sequence change replaces arginine with glutamine at codon 1495 of the OTOF protein (p.Arg1495Gln). The arginine residue is highly conserved and there is a small physicochemical difference between arginine and glutamine. This variant is present in population databases (rs201067193, ExAC 0.03%). This variant has not been reported in the literature in individuals affected with OTOF-related conditions. Algorithms developed to predict the effect of missense changes on protein structure and function (SIFT, PolyPhen-2, Align-GVGD) all suggest that this variant is likely to be disruptive. In summary, the available evidence is currently insufficient to determine the role of this variant in disease. Therefore, it has been classified as a Variant of Uncertain Significance.

NM_194248.3(OTOF):c.4484G>A (p.Arg1495Gln)

Gene: OTOF (otoferlin; minus strand). Cytogenetic location: 2p23.3.
Variant type: single nucleotide variant.
Coding change: c.4484G>A on transcript NM_194248.3 (MANE Select); coding-DNA position 4484, G replaced by A.
Protein change: p.Arg1495Gln; replaces arginine 1495 with glutamine.
Molecular consequence: missense variant.
Genome position (GRCh38, 1-based): chr2:26,466,730, C>T on the plus strand (G>A on the coding strand, the complement: OTOF is on the minus strand). VCF-style: chr2-26466730-C-T. GRCh37 (hg19) VCF-style: chr2-26689598-C-T.
Other names: c.4484G>A, p.Arg1495Gln (NM_001287489.2); c.2183G>A, p.Arg728Gln (NM_004802.4, NM_194323.3); c.2414G>A, p.Arg805Gln (NM_194322.3); short protein forms R805Q, R1495Q, R728Q.
Identifiers: ClinVar variation 856005 (VCV000856005.8), dbSNP rs201067193, ClinGen allele CA1563157.